The following is an entry in ClinVar:

NM_001130823.3(DNMT1):c.2937C>T (p.Pro979=)

Gene: DNMT1 (DNA methyltransferase 1; minus strand). Cytogenetic location: 19p13.2.
Variant type: single nucleotide variant.
Coding change: c.2937C>T on transcript NM_001130823.3 (MANE Select); coding-DNA position 2937, C replaced by T.
Protein change: p.Pro979=; no amino-acid change (proline 979 retained).
Molecular consequence: synonymous variant.
Genome position (GRCh38, 1-based): chr19:10,143,945, G>A on the plus strand (C>T on the coding strand, the complement: DNMT1 is on the minus strand). VCF-style: chr19-10143945-G-A. GRCh37 (hg19) VCF-style: chr19-10254621-G-A.
Other names: c.2889C>T, p.Pro963= (NM_001318730.2, NM_001379.4); c.2574C>T, p.Pro858= (NM_001318731.2); c.2937C>T (NM_001130823.2).
Identifiers: ClinVar variation 594210 (VCV000594210.20), dbSNP rs150359172, ClinGen allele CA9187893.

ClinVar aggregate classification (germline): Conflicting classifications of pathogenicity. Review status: criteria provided, conflicting classifications (1 of 4 stars). 5 submissions from 5 submitters: Uncertain significance (1); Likely benign (3). 1 of the submissions does not count toward it. Last evaluated 2025-10-03.

Conditions:
Hereditary sensory neuropathy-deafness-dementia syndrome. Also called: HSN IE; Hereditary sensory neuropathy type IE; NEUROPATHY, HEREDITARY SENSORY, WITH HEARING LOSS AND DEMENTIA; Hereditary Sensory and Autonomic Neuropathy Type 1E (HSAN1E). Identifiers: Orphanet 456318, MedGen C3279885, MONDO:0013584, OMIM 614116.
DNMT1-related disorder. Also called: DNMT1-related condition. Identifiers: MedGen CN381527.

Allele frequency attached by ClinVar (database versions not stated): ExAC 0.00006; gnomAD 0.00008 and 0.00009; gnomAD exomes 0.00008; TOPMed 0.00010; ESP Exome Variant Server 0.00015; 1000 Genomes Project 0.00020; 1000 Genomes Project 30x 0.00031.
gnomAD v4.1: 218 of 1,614,074 alleles (0.014%); highest among the groups gnomAD compares: Non-Finnish European, 0.017%; no homozygotes.

Submissions (5):

Labcorp Genetics (formerly Invitae), Labcorp
Classification: Likely benign for Hereditary sensory neuropathy-deafness-dementia syndrome. Last evaluated: 2025-10-03. Review status: criteria provided, single submitter. Criteria: Invitae Variant Classification Sherloc (09022015). Collection method: clinical testing. Allele origin: germline.

Blueprint Genetics
Classification: Likely benign. Last evaluated: 2024-04-29. Review status: criteria provided, single submitter. Criteria: ACMG Guidelines, 2015. Collection method: clinical testing. Allele origin: germline.

GeneDx
Classification: Likely benign. Last evaluated: 2021-06-11. Review status: criteria provided, single submitter. Criteria: GeneDx Variant Classification Process June 2021. Collection method: clinical testing. Allele origin: germline. Affected: yes.

Eurofins Ntd Llc (ga)
Classification: Uncertain significance. Last evaluated: 2017-10-12. Review status: criteria provided, single submitter. Criteria: EGL Classification Definitions 2015. Collection method: clinical testing. Allele origin: germline. Observed: 1 variant allele, 1 heterozygote.

PreventionGenetics, part of Exact Sciences
Classification: Likely benign for DNMT1-related condition. Last evaluated: 2019-06-12. Review status: no assertion criteria provided. Collection method: clinical testing. Allele origin: germline. Not counted in ClinVar's aggregate classification.
Comment: This variant is classified as likely benign based on ACMG/AMP sequence variant interpretation guidelines (Richards et al. 2015 PMID: 25741868, with internal and published modifications).